The following is an entry in ClinVar:

NM_004787.4(SLIT2):c.3289G>A (p.Gly1097Ser)

Gene: SLIT2 (slit guidance ligand 2; plus strand). Cytogenetic location: 4p15.31.
Variant type: single nucleotide variant.
Coding change: c.3289G>A on transcript NM_004787.4 (MANE Select); coding-DNA position 3289, G replaced by A.
Protein change: p.Gly1097Ser; replaces glycine 1097 with serine.
Molecular consequence: missense variant.
Genome position (GRCh38, 1-based): chr4:20,595,803, G>A. VCF-style: chr4-20595803-G-A. GRCh37 (hg19) VCF-style: chr4-20597426-G-A.
Other names: c.3277G>A, p.Gly1093Ser (NM_001289135.3); c.3265G>A, p.Gly1089Ser (NM_001289136.3); short protein forms G1089S, G1093S, G1097S.
Identifiers: ClinVar variation 2718696 (VCV002718696.3), dbSNP rs543757184, ClinGen allele CA2872134.

ClinVar aggregate classification (germline): Uncertain significance (1 of 4 stars; one submission).

Allele frequency attached by ClinVar (database versions not stated): gnomAD exomes 0.00002; 1000 Genomes Project 0.00020; gnomAD 0.00005; TOPMed 0.00004; ExAC 0.00007; 1000 Genomes Project 30x 0.00016.
gnomAD v4.1: 33 of 1,614,040 alleles (0.002%); highest among the groups gnomAD compares: East Asian, 0.049%; no homozygotes.

Submission:

Labcorp Genetics (formerly Invitae), Labcorp
Classification: Uncertain significance. Last evaluated: 2026-01-15. Review status: criteria provided, single submitter. Criteria: Invitae Variant Classification Sherloc (09022015). Collection method: clinical testing. Allele origin: germline.
Comment: This sequence change replaces glycine, which is neutral and non-polar, with serine, which is neutral and polar, at codon 1097 of the SLIT2 protein (p.Gly1097Ser). This variant is present in population databases (rs543757184, gnomAD 0.08%), and has an allele count higher than expected for a pathogenic variant. This variant has not been reported in the literature in individuals affected with SLIT2-related conditions. ClinVar contains an entry for this variant (Variation ID: 2718696). An algorithm developed to predict the effect of missense changes on protein structure and function outputs the following: PolyPhen-2: "Probably Damaging". The serine amino acid residue is found in multiple mammalian species, which suggests that this missense change does not adversely affect protein function. In summary, the available evidence is currently insufficient to determine the role of this variant in disease. Therefore, it has been classified as a Variant of Uncertain Significance.